The following is an entry in ClinVar:

NM_213653.4(HJV):c.512G>A (p.Gly171Glu)

Gene: HJV (hemojuvelin BMP co-receptor; minus strand). Cytogenetic location: 1q21.1.
Variant type: single nucleotide variant.
Coding change: c.512G>A on transcript NM_213653.4 (MANE Select); coding-DNA position 512, G replaced by A.
Protein change: p.Gly171Glu; replaces glycine 171 with glutamic acid.
Molecular consequence: missense variant. On other transcripts: intron variant (3).
Genome position (GRCh38, 1-based): chr1:146,019,320, C>T on the plus strand (G>A on the coding strand, the complement: HJV is on the minus strand). VCF-style: chr1-146019320-C-T. GRCh37 (hg19) VCF-style: chr1-145415693-G-A.
Other names: c.512G>A, p.Gly171Glu (NM_001379352.1); c.173G>A, p.Gly58Glu (NM_145277.5); c.-21-620G>A (NM_213652.4); c.-22+378G>A (NM_202004.4, NM_001316767.2); short protein forms G171E, G58E.
Identifiers: ClinVar variation 1494938 (VCV001494938.5), dbSNP rs782077224, ClinGen allele CA1053839.
Genomic context (GRCh38, chr1:146,019,320, plus strand): 5'-CAAGCTCCTTGGACACGGCATGTGTGAAAGTGATGGTGGAAGCTGCGCACATGGGGGTCC[C>T]CGAAGGAAGCGCAATGCAAGAACCCCGGGGGACGACCATGCAGCCGGGAAAACCGGCCTT-3'
Protein context (NP_998818.1, residues 161-181): PPGFLHCASF[Gly171Glu]DPHVRSFHHH

ClinVar aggregate classification (germline): Uncertain significance (1 of 4 stars; one submission).

Allele frequency attached by ClinVar (database versions not stated): gnomAD exomes below 0.00001 and 0.00001; TOPMed below 0.00001; ExAC 0.00001; gnomAD 0.00001.

Submission:

Labcorp Genetics (formerly Invitae), Labcorp
Classification: Uncertain significance. Last evaluated: 2021-09-17. Review status: criteria provided, single submitter. Criteria: Invitae Variant Classification Sherloc (09022015). Collection method: clinical testing. Allele origin: germline.
Comment: This sequence change replaces glycine with glutamic acid at codon 171 of the HJV protein (p.Gly171Glu). The glycine residue is highly conserved and there is a moderate physicochemical difference between glycine and glutamic acid. This variant is present in population databases (rs782077224, ExAC 0.009%). This variant has not been reported in the literature in individuals affected with HJV-related conditions. Algorithms developed to predict the effect of missense changes on protein structure and function (SIFT, PolyPhen-2, Align-GVGD) all suggest that this variant is likely to be disruptive. In summary, the available evidence is currently insufficient to determine the role of this variant in disease. Therefore, it has been classified as a Variant of Uncertain Significance.